The following is an entry in ClinVar:

NM_001142864.4(PIEZO1):c.2344G>A (p.Gly782Ser)

Genes: PIEZO1 (piezo type mechanosensitive ion channel component 1 (Er blood group); minus strand), HSALR1 (HSP90AB1 associated lncRNA 1; plus strand). Cytogenetic location: 16q24.3.
Variant type: single nucleotide variant.
Coding change: c.2344G>A on transcript NM_001142864.4 (MANE Select); coding-DNA position 2344, G replaced by A.
Protein change: p.Gly782Ser; replaces glycine 782 with serine.
Molecular consequence: missense variant.
Genome position (GRCh38, 1-based): chr16:88,733,731, C>T on the plus strand (G>A on the coding strand, the complement: PIEZO1 is on the minus strand). VCF-style: chr16-88733731-C-T. GRCh37 (hg19) VCF-style: chr16-88800139-C-T.
Other names: c.2344G>A, p.Gly782Ser (LRG_1137t1); short protein forms G782S.
Identifiers: ClinVar variation 242665 (VCV000242665.58), dbSNP rs200970763, ClinGen allele CA082796.

ClinVar aggregate classification (germline): Conflicting classifications of pathogenicity. Review status: criteria provided, conflicting classifications (1 of 4 stars). 9 submissions from 9 submitters: Uncertain significance (4); Likely benign (2). 3 of the submissions do not count toward it. Last evaluated 2026-01-15.

Conditions:
PIEZO1-related disorder. Also called: PIEZO1-Related Disorders; PIEZO1-related condition.
Lymphatic malformation 6 (LMPHM6). Also called: PIEZO1-related generalized lymphatic dysplasia with non-immune hydrops fetalis; GENERALIZED LYMPHATIC DYSPLASIA OF FOTIOU; Lymphedema, hereditary, III. Identifiers: Orphanet 568062, MedGen C4225184, MONDO:0014797, OMIM 616843.

Allele frequency attached by ClinVar (database versions not stated): 1000 Genomes Project 30x 0.00078; 1000 Genomes Project 0.00080; ExAC 0.00330; TOPMed 0.00342; gnomAD exomes 0.00381; gnomAD 0.00395 and 0.00414.
gnomAD v4.1: 7,941 of 1,545,466 alleles (0.51%); highest among the groups gnomAD compares: Non-Finnish European, 0.59%; 35 homozygotes.

Submissions (9):

Labcorp Genetics (formerly Invitae), Labcorp
Classification: Likely benign. Last evaluated: 2026-01-15. Review status: criteria provided, single submitter. Criteria: Invitae Variant Classification Sherloc (09022015). Collection method: clinical testing. Allele origin: germline.

ARUP Laboratories, Molecular Genetics and Genomics, ARUP Laboratories
Classification: Uncertain significance. Last evaluated: 2025-07-04. Review status: criteria provided, single submitter. Criteria: ARUP Molecular Germline Variant Investigation Process 2024. Collection method: clinical testing. Allele origin: germline.

Mayo Clinic Laboratories, Mayo Clinic
Classification: Uncertain significance. Last evaluated: 2025-04-25. Review status: criteria provided, single submitter. Criteria: ACMG Guidelines, 2015. Collection method: clinical testing. Allele origin: germline. Observed: 18 variant alleles.
Comment: BS2, BP4, PP1

Center for Genomic Medicine, Rigshospitalet, Copenhagen University Hospital
Classification: Uncertain significance. Last evaluated: 2025-03-04. Review status: criteria provided, single submitter. Criteria: ACMG Guidelines, 2015. Collection method: clinical testing. Allele origin: germline.

CeGaT Center for Human Genetics Tuebingen
Classification: Likely benign. Last evaluated: 2024-12-01. Review status: criteria provided, single submitter. Criteria: CeGaT Center For Human Genetics Tuebingen Variant Classification Criteria Version 2. Collection method: clinical testing. Allele origin: germline. Affected: yes. Observed: 8 variant alleles.
Comment: PIEZO1: BS2

Mendelics
Classification: Uncertain significance for Lymphatic malformation 6. Last evaluated: 2019-05-28. Review status: criteria provided, single submitter. Criteria: Mendelics Assertion Criteria 2017. Collection method: clinical testing. Allele origin: unknown.

PreventionGenetics, part of Exact Sciences
Classification: Likely benign for PIEZO1-related condition. Last evaluated: 2019-07-23. Review status: no assertion criteria provided. Collection method: clinical testing. Allele origin: germline. Not counted in ClinVar's aggregate classification.
Comment: This variant is classified as likely benign based on ACMG/AMP sequence variant interpretation guidelines (Richards et al. 2015 PMID: 25741868, with internal and published modifications).

Clinical Genetics, Academic Medical Center
Classification: Likely benign. Review status: no assertion criteria provided. Collection method: clinical testing. Allele origin: germline. Affected: yes. Study: VKGL Data-share Consensus. Not counted in ClinVar's aggregate classification.

Genome Diagnostics Laboratory, University Medical Center Utrecht
Classification: Likely benign. Review status: no assertion criteria provided. Collection method: clinical testing. Allele origin: germline. Affected: yes. Study: VKGL Data-share Consensus. Not counted in ClinVar's aggregate classification.

Literature cited by the submitters: PubMed 11001917 (cited by Mayo Clinic Laboratories, Mayo Clinic); PubMed 23479567 (cited by Mayo Clinic Laboratories, Mayo Clinic); PubMed 28619848 (cited by Mayo Clinic Laboratories, Mayo Clinic); PubMed 30655378 (cited by Mayo Clinic Laboratories, Mayo Clinic and Center for Genomic Medicine, Rigshospitalet, Copenhagen University Hospital); PubMed 34737711 (cited by Mayo Clinic Laboratories, Mayo Clinic and Center for Genomic Medicine, Rigshospitalet, Copenhagen University Hospital); PubMed 36701166 (cited by Mayo Clinic Laboratories, Mayo Clinic); PubMed 36882369 (cited by Mayo Clinic Laboratories, Mayo Clinic); PubMed 36959127 (cited by Mayo Clinic Laboratories, Mayo Clinic); PubMed 32036089 (cited by Center for Genomic Medicine, Rigshospitalet, Copenhagen University Hospital).